The following is an entry in ClinVar:

ClinVar aggregate classification (germline): Uncertain significance (1 of 4 stars; one submission).

Conditions:
Hereditary cancer-predisposing syndrome. Also called: Neoplastic Syndromes, Hereditary; Tumor predisposition; Hereditary neoplastic syndrome; Hereditary Cancer Syndrome. Identifiers: Orphanet 140162, MedGen C0027672, MeSH D009386, MONDO:0015356.

Submission:

Ambry Genetics
Classification: Uncertain significance for Hereditary cancer-predisposing syndrome. Last evaluated: 2024-04-07. Review status: criteria provided, single submitter. Criteria: Ambry Variant Classification Scheme 2023. Collection method: clinical testing. Allele origin: germline.
Comment: The p.I132L variant (also known as c.394A>C), located in coding exon 3 of the PRKAR1A gene, results from an A to C substitution at nucleotide position 394. The isoleucine at codon 132 is replaced by leucine, an amino acid with highly similar properties. This amino acid position is conserved. In addition, the in silico prediction for this alteration is inconclusive. Based on the available evidence, the clinical significance of this variant remains unclear.

NM_002734.5(PRKAR1A):c.394A>C (p.Ile132Leu)

Gene: PRKAR1A (protein kinase cAMP-dependent type I regulatory subunit alpha; plus strand). Cytogenetic location: 17q24.2.
Variant type: single nucleotide variant.
Coding change: c.394A>C on transcript NM_002734.5 (MANE Select); coding-DNA position 394, A replaced by C.
Protein change: p.Ile132Leu; replaces isoleucine 132 with leucine.
Molecular consequence: missense variant.
Genome position (GRCh38, 1-based): chr17:68,523,770, A>C. VCF-style: chr17-68523770-A-C. GRCh37 (hg19) VCF-style: chr17-66519911-A-C.
Other names: c.394A>C, p.Ile132Leu (NM_001276289.2, NM_001276290.1, NM_001278433.2 and 4 more transcripts); short protein forms I132L.
Identifiers: ClinVar variation 3309962 (VCV003309962.1).
Genomic context (GRCh38, chr17:68,523,770, plus strand): 5'-TCAGTTCTTTTCTAGGTTATACCAAAAGATTACAAGACAATGGCCGCTTTAGCCAAAGCC[A>C]TTGAAAAGAATGTGCTGTTTTCACATCTTGATGATAATGAGAGAAGGTAGGAACAGGCTC-3'
Protein context (NP_002725.1, residues 122-142): YKTMAALAKA[Ile132Leu]EKNVLFSHLD